The following is an entry in ClinVar:

NM_006950.3(SYN1):c.899C>T (p.Thr300Met)

Gene: SYN1 (synapsin I; minus strand). Cytogenetic location: Xp11.3.
Variant type: single nucleotide variant.
Coding change: c.899C>T on transcript NM_006950.3 (MANE Select); coding-DNA position 899, C replaced by T.
Protein change: p.Thr300Met; replaces threonine 300 with methionine.
Molecular consequence: missense variant.
Genome position (GRCh38, 1-based): chrX:47,576,579, G>A on the plus strand (C>T on the coding strand, the complement: SYN1 is on the minus strand). VCF-style: chrX-47576579-G-A. GRCh37 (hg19) VCF-style: chrX-47435978-G-A.
Other names: c.899C>T, p.Thr300Met (NM_133499.2); short protein forms T300M.
Identifiers: ClinVar variation 2499803 (VCV002499803.4), dbSNP rs755931727, ClinGen allele CA10398454.

ClinVar aggregate classification (germline): Uncertain significance. Review status: criteria provided, multiple submitters, no conflicts (2 of 4 stars). 3 submissions from 3 submitters: Uncertain significance (3). Last evaluated 2026-01-14.

Conditions:
Epilepsy, X-linked 1, with variable learning disabilities and behavior disorders. Also called: X-linked epilepsy-learning disabilities-behavior disorders syndrome. Identifiers: Orphanet 85294, MedGen C5774177, MONDO:0010339, OMIM 300491.
Inborn genetic diseases. Identifiers: MedGen C0950123, MeSH D030342.

Allele frequency attached by ClinVar (database versions not stated): gnomAD exomes 0.00001; ExAC 0.00002; gnomAD 0.00002; TOPMed 0.00002.
gnomAD v4.1: 8 of 1,210,070 alleles (0.00066%); highest among the groups gnomAD compares: Admixed American, 0.0066%; no homozygotes.

Submissions (3):

Ambry Genetics
Classification: Uncertain significance for Inborn genetic diseases. Last evaluated: 2026-01-14. Review status: criteria provided, single submitter. Criteria: Ambry Variant Classification Scheme 2023. Collection method: clinical testing. Allele origin: germline.
Comment: The c.899C>T (p.T300M) alteration is located in exon 7 (coding exon 7) of the SYN1 gene. This alteration results from a C to T substitution at nucleotide position 899, causing the threonine (T) at amino acid position 300 to be replaced by a methionine (M). Based on data from gnomAD, the T allele has an overall frequency of 0.002% (3/183471) total alleles studied. The highest observed frequency was 0.007% (2/27429) of Latino alleles. Based on insufficient or conflicting evidence, the clinical significance of this alteration remains unclear.

Labcorp Genetics (formerly Invitae), Labcorp
Classification: Uncertain significance for Epilepsy, X-linked 1, with variable learning disabilities and behavior disorders. Last evaluated: 2025-09-15. Review status: criteria provided, single submitter. Criteria: Invitae Variant Classification Sherloc (09022015). Collection method: clinical testing. Allele origin: germline.
Comment: This sequence change replaces threonine, which is neutral and polar, with methionine, which is neutral and non-polar, at codon 300 of the SYN1 protein (p.Thr300Met). This variant is present in population databases (rs755931727, gnomAD 0.008%). This variant has not been reported in the literature in individuals affected with SYN1-related conditions. ClinVar contains an entry for this variant (Variation ID: 2499803). An algorithm developed to predict the effect of missense changes on protein structure and function (PolyPhen-2) suggests that this variant is likely to be disruptive. In summary, the available evidence is currently insufficient to determine the role of this variant in disease. Therefore, it has been classified as a Variant of Uncertain Significance.

GeneDx
Classification: Uncertain significance. Last evaluated: 2022-10-23. Review status: criteria provided, single submitter. Criteria: GeneDx Variant Classification Process June 2021. Collection method: clinical testing. Allele origin: germline. Affected: yes.
Comment: In silico analysis supports that this missense variant has a deleterious effect on protein structure/function; Has not been previously published as pathogenic or benign to our knowledge